The following is an entry in ClinVar:

NM_003611.3(OFD1):c.1766T>C (p.Phe589Ser)

Gene: OFD1 (OFD1 centriole and centriolar satellite protein; plus strand). Cytogenetic location: Xp22.2.
Variant type: single nucleotide variant.
Coding change: c.1766T>C on transcript NM_003611.3 (MANE Select); coding-DNA position 1766, T replaced by C.
Protein change: p.Phe589Ser; replaces phenylalanine 589 with serine.
Molecular consequence: missense variant.
Genome position (GRCh38, 1-based): chrX:13,760,226, T>C. VCF-style: chrX-13760226-T-C. GRCh37 (hg19) VCF-style: chrX-13778345-T-C.
Other names: c.1646T>C, p.Phe549Ser (NM_001330209.2); c.1346T>C, p.Phe449Ser (NM_001330210.2); short protein forms F449S, F549S, F589S.
Identifiers: ClinVar variation 3899776 (VCV003899776.1).

ClinVar aggregate classification (germline): Uncertain significance (1 of 4 stars; one submission).

gnomAD v4.1: 6 of 1,210,031 alleles (0.0005%); highest among the groups gnomAD compares: Non-Finnish European, 0.00067%; no homozygotes.

Submission:

GeneDx
Classification: Uncertain significance. Last evaluated: 2024-11-18. Review status: criteria provided, single submitter. Criteria: GeneDx Variant Classification Process June 2021. Collection method: clinical testing. Allele origin: germline. Affected: yes.
Comment: In silico analysis supports that this missense variant has a deleterious effect on protein structure/function; Has not been previously published as pathogenic or benign to our knowledge